The following is an entry in ClinVar:

NM_000311.5(PRNP):c.350C>T (p.Ala117Val)

Gene: PRNP (prion protein (Kanno blood group); plus strand). Cytogenetic location: 20p13.
Variant type: single nucleotide variant.
Coding change: c.350C>T on transcript NM_000311.5 (MANE Select); coding-DNA position 350, C replaced by T.
Protein change: p.Ala117Val; replaces alanine 117 with valine.
Molecular consequence: missense variant. On other transcripts: 3 prime UTR variant (1).
Genome position (GRCh38, 1-based): chr20:4,699,570, C>T. VCF-style: chr20-4699570-C-T. GRCh37 (hg19) VCF-style: chr20-4680216-C-T.
Other names: c.350C>T, p.Ala117Val (NM_001080121.3, NM_001080122.3, NM_001080123.3 and 1 more transcripts); c.*39C>T (NM_001271561.3); short protein forms A117V.
Identifiers: ClinVar variation 13396 (VCV000013396.6), dbSNP rs74315402, ClinGen allele CA256776.

ClinVar aggregate classification (germline): Pathogenic. Review status: criteria provided, multiple submitters, no conflicts (2 of 4 stars). 3 submissions from 3 submitters: Pathogenic (2). 1 of the submissions does not count toward it. Last evaluated 2025-06-30.

Conditions:
Inborn genetic diseases. Identifiers: MedGen C0950123, MeSH D030342.
Gerstmann-Straussler-Scheinker syndrome (GSD). Also called: Spongiform encephalopathy; Cerebellar ataxia, progressive dementia, and amyloid deposits in the central nervous system; Encephalopathy subacute spongiform Gerstmann-Straussler type; PRION DEMENTIA; GERSTMANN-STRAUSSLER DISEASE; CEREBELLAR ATAXIA, PROGRESSIVE DEMENTIA, AND AMYLOID DEPOSITS IN CNS. Identifiers: Orphanet 356, MedGen C0017495, MONDO:0007656, OMIM 137440.

Submissions (3):

Ambry Genetics
Classification: Pathogenic for Inborn genetic diseases. Last evaluated: 2025-06-30. Review status: criteria provided, single submitter. Criteria: Ambry Variant Classification Scheme 2023. Collection method: clinical testing. Allele origin: germline.
Comment: The c.350C>T (p.A117V) alteration is located in coding exon 1 of the PRNP gene. This alteration results from a C to T substitution at nucleotide position 350, causing the alanine (A) at amino acid position 117 to be replaced by a valine (V). This variant was not reported in population-based cohorts in the Genome Aggregation Database (gnomAD). This variant was identified in one or more individuals with features consistent with Genetic prion disease (Doh-ura, 1989; Tateishi, 1990; Mallucci, 1999; Kov&aacute;cs, 2001; Jiang, 2019; Perez Maturo, 2020; Era&ntilde;a, 2022) and segregated with disease in at least one family (Tranchant, 1992; Mallucci, 1999). This amino acid position is highly conserved in available vertebrate species. In multiple assays testing PRNP function, this variant showed functionally abnormal results (Brown, 2000; Yang, 2009). This alteration is predicted to be deleterious by in silico analysis. Based on the available evidence, this alteration is classified as pathogenic.

GeneDx
Classification: Pathogenic. Last evaluated: 2024-08-13. Review status: criteria provided, single submitter. Criteria: GeneDx Variant Classification Process June 2021. Collection method: clinical testing. Allele origin: germline. Affected: yes.
Comment: Published functional studies demonstrate that the A117V variant forms proteolytic resistant fragments (Ctm-PrP) and causes cytotoxity and endocplasmic reticulum stress (PMID: 21298055, 24086135); In silico analysis indicates that this missense variant does not alter protein structure/function; Not observed at significant frequency in large population cohorts (gnomAD); This variant is associated with the following publications: (PMID: 9707339, 19543376, 8614527, 24086135, 11385020, 29338055, 17494694, 23132868, 11087738, 25993001, 9285466, 2783132, 10506086, 7501157, 31413052, 10698707, 16246061, 32488064, 36975162, 35294616, 26791950, 21298055)

OMIM
Classification: Pathogenic for GERSTMANN-STRAUSSLER DISEASE. Last evaluated: 1999-10-01. Review status: no assertion criteria provided. Collection method: literature only. Allele origin: germline. Not counted in ClinVar's aggregate classification.

Literature cited by the submitters: PubMed 1348783 (cited by Ambry Genetics); PubMed 1699173 (cited by Ambry Genetics); PubMed 2783132 (cited by Ambry Genetics and OMIM); PubMed 7501157 (cited by Ambry Genetics and OMIM); PubMed 10506086 (cited by Ambry Genetics and OMIM); PubMed 10698707 (cited by Ambry Genetics); PubMed 11385020 (cited by Ambry Genetics); PubMed 19675240 (cited by Ambry Genetics); PubMed 31413052 (cited by Ambry Genetics); PubMed 32488064 (cited by Ambry Genetics); PubMed 35294616 (cited by Ambry Genetics); PubMed 9452375 (cited by OMIM).